The following is an entry in ClinVar:

NM_000051.4(ATM):c.289del (p.Ile97fs)

Gene: ATM (ATM serine/threonine kinase; plus strand). Cytogenetic location: 11q22.3.
Variant type: Deletion.
Coding change: c.289del on transcript NM_000051.4 (MANE Select); coding-DNA position 289, one base deleted (A; older notation c.289delA).
Protein change: p.Ile97fs; shifts the reading frame from isoleucine 97.
Molecular consequence: frameshift variant.
Genome position (GRCh38, 1-based): chr11:108,229,281, A deleted; the last of 3 consecutive A bases (chr11:108,229,279-108,229,281); deleting any one gives the same sequence. VCF-style (leftmost placement, unchanged base first): chr11-108229278-GA-G. GRCh37 (hg19) VCF-style: chr11-108100005-GA-G.
Other names: c.289delA (NM_000051.3); c.289del, p.Ile97fs (NM_001351834.2, NM_001351835.2, NM_001351836.2); short protein forms I97fs.
Identifiers: ClinVar variation 236694 (VCV000236694.15), dbSNP rs878853497, ClinGen allele CA10582783.

ClinVar aggregate classification (germline): Pathogenic/Likely pathogenic. Review status: criteria provided, multiple submitters, no conflicts (2 of 4 stars). 5 submissions from 5 submitters: Pathogenic (4); Likely pathogenic (1). Last evaluated 2025-10-05.

Conditions:
Hereditary cancer-predisposing syndrome. Also called: Tumor predisposition; Hereditary Cancer Syndrome; Hereditary neoplastic syndrome; Neoplastic Syndromes, Hereditary. Identifiers: Orphanet 140162, MedGen C0027672, MeSH D009386, MONDO:0015356.
Familial cancer of breast. Also called: hereditary breast carcinoma; BREAST CANCER, FAMILIAL; Hereditary breast cancer. Identifiers: Orphanet 227535, MedGen C0346153, MONDO:0016419, OMIM 114480. Disease mechanism: loss of function.
Ataxia-telangiectasia syndrome (AT). Also called: Ataxia telangiectasia (A-T); LOUIS-BAR SYNDROME; Cerebello-oculocutaneous telangiectasia; Immunodeficiency with ataxia telangiectasia; ATAXIA-TELANGIECTASIA, COMPLEMENTATION GROUP A; ATAXIA-TELANGIECTASIA, FRESNO VARIANT. Identifiers: Orphanet 100, MedGen C0004135, MONDO:0008840, OMIM 208900.

Submissions (5):

Labcorp Genetics (formerly Invitae), Labcorp
Classification: Pathogenic for Ataxia-telangiectasia syndrome. Last evaluated: 2025-10-05. Review status: criteria provided, single submitter. Criteria: Invitae Variant Classification Sherloc (09022015). Collection method: clinical testing. Allele origin: germline.
Comment: This sequence change creates a premature translational stop signal (p.Ile97Serfs*19) in the ATM gene. It is expected to result in an absent or disrupted protein product. Loss-of-function variants in ATM are known to be pathogenic (PMID: 23807571, 25614872). This variant is not present in population databases (gnomAD no frequency). This variant has not been reported in the literature in individuals affected with ATM-related conditions. ClinVar contains an entry for this variant (Variation ID: 236694). For these reasons, this variant has been classified as Pathogenic.

Ambry Genetics
Classification: Pathogenic for Hereditary cancer-predisposing syndrome. Last evaluated: 2024-08-05. Review status: criteria provided, single submitter. Criteria: Ambry Variant Classification Scheme 2023. Collection method: clinical testing. Allele origin: germline.
Comment: The c.289delA pathogenic mutation, located in coding exon 3 of the ATM gene, results from a deletion of one nucleotide at nucleotide position 289, causing a translational frameshift with a predicted alternate stop codon (p.I97Sfs*19). This variant is considered to be rare based on population cohorts in the Genome Aggregation Database (gnomAD). This alteration is expected to result in loss of function by premature protein truncation or nonsense-mediated mRNA decay. As such, this alteration is interpreted as a disease-causing mutation.

Myriad Genetics, Inc.
Classification: Pathogenic for Familial cancer of breast. Last evaluated: 2024-01-08. Review status: criteria provided, single submitter. Criteria: Myriad Autosomal Dominant, Autosomal Recessive and X-Linked Classification Criteria (2023). Collection method: clinical testing. Allele origin: unknown.
Comment: This variant is considered pathogenic. This variant creates a frameshift predicted to result in premature protein truncation.

Baylor Genetics
Classification: Pathogenic for Familial cancer of breast. Last evaluated: 2022-11-03. Review status: criteria provided, single submitter. Criteria: ACMG Guidelines, 2015. Collection method: clinical testing. Allele origin: unknown.

Sema4
Classification: Likely pathogenic for Hereditary cancer-predisposing syndrome. Last evaluated: 2022-03-18. Review status: criteria provided, single submitter. Criteria: Sema4 Curation Guidelines. Collection method: curation. Allele origin: germline.
Comment: The ATM c.289delA (p.I97SfsX19) variant has been reported in heterozygosity in at least one individual with breast cancer (PMID: 32427313). This variant causes a frameshift at amino acid 97 that results in premature termination 19 amino acids downstream. At this location, this variant is predicted to cause loss of normal protein function either through protein truncation or nonsense-mediated mRNA decay. Loss of function variants in ATM are known to be pathogenic (PMID: 23807571, 25614872). This variant is not reported in the Genome Aggregation Database (PMID: 32461654). This variant has been reported in ClinVar (Variation ID: 236694). Based on the current evidence available, this variant is interpreted as likely pathogenic.

Literature cited by the submitters: PubMed 23807571 (cited by Labcorp Genetics (formerly Invitae), Labcorp and Sema4); PubMed 25614872 (cited by Labcorp Genetics (formerly Invitae), Labcorp and Sema4); PubMed 32427313 (cited by Sema4).